The following is an entry in ClinVar:

ClinVar aggregate classification (germline): Uncertain significance (1 of 4 stars; one submission).

Submission:

Labcorp Genetics (formerly Invitae), Labcorp
Classification: Uncertain significance. Last evaluated: 2025-04-16. Review status: criteria provided, single submitter. Criteria: Invitae Variant Classification Sherloc (09022015). Collection method: clinical testing. Allele origin: germline.
Comment: This sequence change replaces proline, which is neutral and non-polar, with serine, which is neutral and polar, at codon 405 of the ABCA4 protein (p.Pro405Ser). This variant is not present in population databases (gnomAD no frequency). This variant has not been reported in the literature in individuals affected with ABCA4-related conditions. ClinVar contains an entry for this variant (Variation ID: 1517362). Invitae Evidence Modeling of protein sequence and biophysical properties (such as structural, functional, and spatial information, amino acid conservation, physicochemical variation, residue mobility, and thermodynamic stability) indicates that this missense variant is expected to disrupt ABCA4 protein function with a positive predictive value of 95%. In summary, the available evidence is currently insufficient to determine the role of this variant in disease. Therefore, it has been classified as a Variant of Uncertain Significance.

NM_000350.3(ABCA4):c.1213C>T (p.Pro405Ser)

Gene: ABCA4 (ATP binding cassette subfamily A member 4; minus strand). Cytogenetic location: 1p22.1.
Variant type: single nucleotide variant.
Coding change: c.1213C>T on transcript NM_000350.3 (MANE Select); coding-DNA position 1213, C replaced by T.
Protein change: p.Pro405Ser; replaces proline 405 with serine.
Molecular consequence: missense variant.
Genome position (GRCh38, 1-based): chr1:94,079,348, G>A on the plus strand (C>T on the coding strand, the complement: ABCA4 is on the minus strand). VCF-style: chr1-94079348-G-A. GRCh37 (hg19) VCF-style: chr1-94544904-G-A.
Other names: c.1213C>T, p.Pro405Ser (NM_001425324.1); short protein forms P405S.
Identifiers: ClinVar variation 1517362 (VCV001517362.8), dbSNP rs2101104386, ClinGen allele CA341283302.